The following is an entry in ClinVar:

ClinVar aggregate classification (germline): Pathogenic (0 of 4 stars; one submission).

Conditions:
Polycystic kidney disease. Also called: Polycystic kidney dysplasia; Kidney, Polycystic. Identifiers: MedGen C0022680, MeSH D007690, MONDO:0020642, HP:0000113.

Submission:

Department of Pathology and Laboratory Medicine, Sinai Health System
Classification: Pathogenic for Polycystic Kidney disease. Review status: no assertion criteria provided. Collection method: clinical testing. Allele origin: unknown. Affected: yes. Study: The Canadian Open Genetics Repository (COGR).
Comment: The PKD1 p.Tyr2007* variant was not identified in the literature nor was it identified in the dbSNP, ClinVar, LOVD 3.0, ADPKD Mutation Database, PKD1-LOVD, the 1000 Genomes Project, the NHLBI GO Exome Sequencing Project, the Exome Aggregation Consortium (August 8th 2016), or the Genome Aggregation Database (Feb 27, 2017). The p.Tyr2007* variant leads to a premature stop codon at position 2007, which is predicted to lead to a truncated or absent protein and loss of function. Loss of function variants of the PKD1 gene are an established mechanism of disease in autosomal dominant polycystic kidney disease and is the type of variant expected to cause the disorder. In summary, based on the above information this variant meets our laboratoryâ€šÃ„Ã´s criteria to be classified as pathogenic.

NM_001009944.3(PKD1):c.6021C>A (p.Tyr2007Ter)

Gene: PKD1 (polycystin 1, transient receptor potential channel interacting; minus strand). Cytogenetic location: 16p13.3.
Variant type: single nucleotide variant.
Coding change: c.6021C>A on transcript NM_001009944.3 (MANE Select); coding-DNA position 6021, C replaced by A.
Protein change: p.Tyr2007Ter; replaces tyrosine 2007 with a stop codon.
Molecular consequence: nonsense.
Genome position (GRCh38, 1-based): chr16:2,109,146, G>T on the plus strand (C>A on the coding strand, the complement: PKD1 is on the minus strand). VCF-style: chr16-2109146-G-T. GRCh37 (hg19) VCF-style: chr16-2159147-G-T.
Other names: c.6021C>A, p.Tyr2007Ter (NM_000296.4); short protein forms Y2007*.
Identifiers: ClinVar variation 997213 (VCV000997213.1), dbSNP rs147391291, ClinGen allele CA394374683.